The following is an entry in ClinVar:

ClinVar aggregate classification (germline): Likely benign (1 of 4 stars; one submission).

Allele frequency attached by ClinVar (database versions not stated): gnomAD exomes below 0.00001.
gnomAD v4.1: 1 of 1,614,178 alleles (0.000062%); highest among the groups gnomAD compares: Non-Finnish European, 0.000085%; no homozygotes.

Submission:

CeGaT Center for Human Genetics Tuebingen
Classification: Likely benign. Last evaluated: 2023-07-01. Review status: criteria provided, single submitter. Criteria: CeGaT Center For Human Genetics Tuebingen Variant Classification Criteria Version 2. Collection method: clinical testing. Allele origin: germline. Affected: yes. Observed: 1 variant allele.
Comment: AUTS2: PM2:Supporting, BP4, BP7

NM_015570.4(AUTS2):c.2319A>G (p.Ser773=)

Gene: AUTS2 (activator of transcription and developmental regulator AUTS2; plus strand). Cytogenetic location: 7q11.22.
Variant type: single nucleotide variant.
Coding change: c.2319A>G on transcript NM_015570.4 (MANE Select); coding-DNA position 2319, A replaced by G.
Protein change: p.Ser773=; no amino-acid change (serine 773 retained).
Molecular consequence: synonymous variant.
Genome position (GRCh38, 1-based): chr7:70,787,219, A>G. VCF-style: chr7-70787219-A-G. GRCh37 (hg19) VCF-style: chr7-70252205-A-G.
Other names: c.2247A>G, p.Ser749= (NM_001127231.3).
Identifiers: ClinVar variation 2657533 (VCV002657533.24), dbSNP rs1791560234, ClinGen allele CA455803697.